The following is an entry in ClinVar:

ClinVar aggregate classification (germline): Uncertain significance. Review status: criteria provided, multiple submitters, no conflicts (2 of 4 stars). 2 submissions from 2 submitters: Uncertain significance (2). Last evaluated 2025-04-03.

Allele frequency attached by ClinVar (database versions not stated): gnomAD exomes 0.00001 and 0.00002; ExAC 0.00002; gnomAD 0.00004; TOPMed 0.00004.

Submissions (2):

Ambry Genetics
Classification: Uncertain significance. Last evaluated: 2025-04-03. Review status: criteria provided, single submitter. Criteria: Ambry Variant Classification Scheme 2023. Collection method: clinical testing. Allele origin: germline.

Labcorp Genetics (formerly Invitae), Labcorp
Classification: Uncertain significance. Last evaluated: 2021-04-17. Review status: criteria provided, single submitter. Criteria: Invitae Variant Classification Sherloc (09022015). Collection method: clinical testing. Allele origin: germline.
Comment: Algorithms developed to predict the effect of missense changes on protein structure and function output the following: SIFT: "Tolerated"; PolyPhen-2: "Probably Damaging"; Align-GVGD: "Class C0". The glutamic acid amino acid residue is found in multiple mammalian species, suggesting that this missense change does not adversely affect protein function. These predictions have not been confirmed by published functional studies and their clinical significance is uncertain. In summary, the available evidence is currently insufficient to determine the role of this variant in disease. Therefore, it has been classified as a Variant of Uncertain Significance. This variant has not been reported in the literature in individuals with APOL1-related conditions. This variant is present in population databases (rs769135730, ExAC 0.009%). This sequence change replaces alanine with glutamic acid at codon 108 of the APOL1 protein (p.Ala108Glu). The alanine residue is moderately conserved and there is a moderate physicochemical difference between alanine and glutamic acid.

NM_003661.4(APOL1):c.323C>A (p.Ala108Glu)

Gene: APOL1 (apolipoprotein L1; plus strand). Cytogenetic location: 22q12.3.
Variant type: single nucleotide variant.
Coding change: c.323C>A on transcript NM_003661.4 (MANE Select); coding-DNA position 323, C replaced by A.
Protein change: p.Ala108Glu; replaces alanine 108 with glutamic acid.
Molecular consequence: missense variant.
Genome position (GRCh38, 1-based): chr22:36,265,159, C>A. VCF-style: chr22-36265159-C-A. GRCh37 (hg19) VCF-style: chr22-36661205-C-A.
Other names: c.269C>A, p.Ala90Glu (NM_001362927.2, NM_001136541.2); c.371C>A, p.Ala124Glu (NM_145343.3); c.323C>A (NM_003661.3); c.323C>A, p.Ala108Glu (NM_001136540.2); short protein forms A108E, A90E, A124E.
Identifiers: ClinVar variation 1484574 (VCV001484574.9), dbSNP rs769135730, ClinGen allele CA10208662.